The following is an entry in ClinVar:

NM_001267550.2(TTN):c.95852del (p.Lys31951fs)

Genes: TTN (titin; minus strand), TTN-AS1 (TTN antisense RNA 1; plus strand). Cytogenetic location: 2q31.2.
Variant type: Deletion.
Coding change: c.95852del on transcript NM_001267550.2 (MANE Select); coding-DNA position 95852, one base deleted (A; older notation c.95852delA).
Protein change: p.Lys31951fs; shifts the reading frame from lysine 31951.
Molecular consequence: frameshift variant.
Genome position (GRCh38, 1-based): chr2:178,544,377, T deleted on the plus strand (A on the coding strand, the reverse complement: TTN is on the minus strand); the first of 2 consecutive T bases (chr2:178,544,377-178,544,378); deleting either gives the same sequence. VCF-style (leftmost placement, unchanged base first): chr2-178544376-CT-C. GRCh37 (hg19) VCF-style: chr2-179409103-CT-C.
Other names: c.90929del, p.Lys30310fs (NM_001256850.1); c.68657del, p.Lys22886fs (NM_003319.4); c.88148del, p.Lys29383fs (NM_133378.4); c.69032del, p.Lys23011fs (NM_133432.3); c.69233del, p.Lys23078fs (NM_133437.4); c.68657delA (NM_003319.4); short protein forms K22886fs, K23011fs, K23078fs, K29383fs, K30310fs, K31951fs.
Identifiers: ClinVar variation 4866234 (VCV004866234.1).

ClinVar aggregate classification (germline): Likely pathogenic (1 of 4 stars; one submission).

Conditions:
Cardiovascular phenotype. Identifiers: MedGen CN230736.

Submission:

Ambry Genetics
Classification: Likely pathogenic for Cardiovascular phenotype. Last evaluated: 2026-06-02. Review status: criteria provided, single submitter. Criteria: Ambry Variant Classification Scheme 2023. Collection method: clinical testing. Allele origin: germline.
Comment: The c.68657delA variant, located in coding exon 172 of the TTN gene, results from a deletion of one nucleotide at nucleotide position 68657, causing a translational frameshift with a predicted alternate stop codon (p.K22886Rfs*15). This exon is located in the A-band region of the N2-B isoform of the titin protein and is constitutively expressed in TTN transcripts (percent spliced in or PSI 100%). This variant is considered to be rare based on population cohorts in the Genome Aggregation Database (gnomAD). This variant is expected to result in loss of function by premature protein truncation or nonsense-mediated mRNA decay. While truncating variants in TTN are present in 1-3% of the general population, truncating variants in the A-band are the most common cause of dilated cardiomyopathy (Herman DS et al. N. Engl. J. Med., 2012 Feb;366:619-28; Roberts AM et al. Sci Transl Med, 2015 Jan;7:270ra6). TTN truncating variants encoded in constitutive exons (PSI >90%) have been found to be significantly associated with DCM regardless of their position in titin (Schafer S et al. Nat. Genet., 2017 01;49:46-53; Akhtar MM et al. Circ Heart Fail, 2020 Oct;13:e006832; Massier M et al. Clin Genet, 2025 Jan). Based on the majority of available evidence to date, this variant is likely to be pathogenic.